The following is an entry in ClinVar:

ClinVar aggregate classification (germline): Uncertain significance (1 of 4 stars; one submission).

Conditions:
Adams-Oliver syndrome 5 (AOS5). Identifiers: Orphanet 974, MedGen C4014970, MONDO:0014459, OMIM 616028.

Submission:

Labcorp Genetics (formerly Invitae), Labcorp
Classification: Uncertain significance for Adams-Oliver syndrome 5. Last evaluated: 2023-07-03. Review status: criteria provided, single submitter. Criteria: Invitae Variant Classification Sherloc (09022015). Collection method: clinical testing. Allele origin: germline.
Comment: This variant is not present in population databases (gnomAD no frequency). This sequence change replaces aspartic acid, which is acidic and polar, with alanine, which is neutral and non-polar, at codon 1230 of the NOTCH1 protein (p.Asp1230Ala). In summary, the available evidence is currently insufficient to determine the role of this variant in disease. Therefore, it has been classified as a Variant of Uncertain Significance. Advanced modeling of protein sequence and biophysical properties (such as structural, functional, and spatial information, amino acid conservation, physicochemical variation, residue mobility, and thermodynamic stability) performed at Invitae indicates that this missense variant is not expected to disrupt NOTCH1 protein function. This variant has not been reported in the literature in individuals affected with NOTCH1-related conditions.

NM_017617.5(NOTCH1):c.3689A>C (p.Asp1230Ala)

Gene: NOTCH1 (notch receptor 1; minus strand). Cytogenetic location: 9q34.3.
Variant type: single nucleotide variant.
Coding change: c.3689A>C on transcript NM_017617.5 (MANE Select); coding-DNA position 3689, A replaced by C.
Protein change: p.Asp1230Ala; replaces aspartic acid 1230 with alanine.
Molecular consequence: missense variant.
Genome position (GRCh38, 1-based): chr9:136,506,928, T>G on the plus strand (A>C on the coding strand, the complement: NOTCH1 is on the minus strand). VCF-style: chr9-136506928-T-G. GRCh37 (hg19) VCF-style: chr9-139401380-T-G.
Other names: short protein forms D1230A.
Identifiers: ClinVar variation 2789635 (VCV002789635.3), dbSNP rs2133344149, ClinGen allele CA375549552.